The following is an entry in ClinVar:

NM_000368.5(TSC1):c.1684G>A (p.Ala562Thr)

Gene: TSC1 (TSC complex subunit 1; minus strand). Cytogenetic location: 9q34.13.
Variant type: single nucleotide variant.
Coding change: c.1684G>A on transcript NM_000368.5 (MANE Select); coding-DNA position 1684, G replaced by A.
Protein change: p.Ala562Thr; replaces alanine 562 with threonine.
Molecular consequence: missense variant.
Genome position (GRCh38, 1-based): chr9:132,905,894, C>T on the plus strand (G>A on the coding strand, the complement: TSC1 is on the minus strand). VCF-style: chr9-132905894-C-T. GRCh37 (hg19) VCF-style: chr9-135781281-C-T.
Other names: c.1681G>A, p.Ala561Thr (NM_001162426.2); c.1531G>A, p.Ala511Thr (NM_001162427.2); c.1321G>A, p.Ala441Thr (NM_001362177.2); short protein forms A511T, A562T, A561T, A441T.
Identifiers: ClinVar variation 966444 (VCV000966444.9), dbSNP rs1845635236, ClinGen allele CA375364225.

ClinVar aggregate classification (germline): Uncertain significance (1 of 4 stars; one submission).

Conditions:
Tuberous sclerosis 1 (TSC1). Identifiers: Orphanet 805, MedGen C1854465, MONDO:0008612, OMIM 191100.

Submission:

Labcorp Genetics (formerly Invitae), Labcorp
Classification: Uncertain significance for Tuberous sclerosis 1. Last evaluated: 2023-05-11. Review status: criteria provided, single submitter. Criteria: Invitae Variant Classification Sherloc (09022015). Collection method: clinical testing. Allele origin: germline.
Comment: In summary, the available evidence is currently insufficient to determine the role of this variant in disease. Therefore, it has been classified as a Variant of Uncertain Significance. Advanced modeling of protein sequence and biophysical properties (such as structural, functional, and spatial information, amino acid conservation, physicochemical variation, residue mobility, and thermodynamic stability) performed at Invitae indicates that this missense variant is not expected to disrupt TSC1 protein function. ClinVar contains an entry for this variant (Variation ID: 966444). This variant has not been reported in the literature in individuals affected with TSC1-related conditions. This variant is not present in population databases (gnomAD no frequency). This sequence change replaces alanine, which is neutral and non-polar, with threonine, which is neutral and polar, at codon 562 of the TSC1 protein (p.Ala562Thr).